The following is an entry in ClinVar:

ClinVar aggregate classification (germline): Uncertain significance (1 of 4 stars; one submission).

Conditions:
Emery-Dreifuss muscular dystrophy 4, autosomal dominant (EDMD4). Also called: EMERY-DREIFUSS MUSCULAR DYSTROPHY 4 WITH VARIABLE FEATURES. Identifiers: Orphanet 261, MedGen C2751807, MONDO:0013071, OMIM 612998.
Autosomal recessive ataxia, Beauce type. Also called: SYNE1 Deficiency; Spinocerebellar ataxia, autosomal recessive 8; ATAXIA, RECESSIVE, OF BEAUCE; SYNE1-Related Autosomal Recessive Cerebellar Ataxia. Identifiers: Orphanet 88644, MedGen C1853116, MONDO:0012549, OMIM 610743.

Allele frequency attached by ClinVar (database versions not stated): ExAC 0.00001.
gnomAD v4.1: 1 of 1,614,082 alleles (0.000062%); no homozygotes.

Submission:

Labcorp Genetics (formerly Invitae), Labcorp
Classification: Uncertain significance for Emery-Dreifuss muscular dystrophy 4, autosomal dominant; Autosomal recessive ataxia, Beauce type. Last evaluated: 2022-03-07. Review status: criteria provided, single submitter. Criteria: Invitae Variant Classification Sherloc (09022015). Collection method: clinical testing. Allele origin: germline.
Comment: In summary, the available evidence is currently insufficient to determine the role of this variant in disease. Therefore, it has been classified as a Variant of Uncertain Significance. Algorithms developed to predict the effect of missense changes on protein structure and function output the following: SIFT: "Tolerated"; PolyPhen-2: "Benign"; Align-GVGD: "Class C0". The methionine amino acid residue is found in multiple mammalian species, which suggests that this missense change does not adversely affect protein function. This variant has not been reported in the literature in individuals affected with SYNE1-related conditions. This variant is not present in population databases (gnomAD no frequency). This sequence change replaces threonine, which is neutral and polar, with methionine, which is neutral and non-polar, at codon 1958 of the SYNE1 protein (p.Thr1958Met).

NM_182961.4(SYNE1):c.5852C>T (p.Thr1951Met)

Gene: SYNE1 (spectrin repeat containing nuclear envelope protein 1; minus strand). Cytogenetic location: 6q25.2.
Variant type: single nucleotide variant.
Coding change: c.5852C>T on transcript NM_182961.4 (MANE Select); coding-DNA position 5852, C replaced by T.
Protein change: p.Thr1951Met; replaces threonine 1951 with methionine.
Molecular consequence: missense variant.
Genome position (GRCh38, 1-based): chr6:152,416,585, G>A on the plus strand (C>T on the coding strand, the complement: SYNE1 is on the minus strand). VCF-style: chr6-152416585-G-A. GRCh37 (hg19) VCF-style: chr6-152737720-G-A.
Other names: c.5873C>T, p.Thr1958Met (NM_033071.5); short protein forms T1951M, T1958M.
Identifiers: ClinVar variation 2106243 (VCV002106243.4), dbSNP rs755673165, ClinGen allele CA4058212.